The following is an entry in ClinVar:

ClinVar aggregate classification (germline): Uncertain significance (1 of 4 stars; one submission).

Allele frequency attached by ClinVar (database versions not stated): ExAC 0.00002; gnomAD exomes 0.00003 and 0.00007; TOPMed 0.00003; gnomAD 0.00005; ESP Exome Variant Server 0.00008.
gnomAD v4.1: 106 of 1,605,594 alleles (0.0066%); highest among the groups gnomAD compares: Non-Finnish European, 0.0085%; no homozygotes.

Submission:

Labcorp Genetics (formerly Invitae), Labcorp
Classification: Uncertain significance. Last evaluated: 2021-09-09. Review status: criteria provided, single submitter. Criteria: Invitae Variant Classification Sherloc (09022015). Collection method: clinical testing. Allele origin: germline.
Comment: This sequence change replaces glycine with arginine at codon 801 of the PLEKHG2 protein (p.Gly801Arg). The glycine residue is moderately conserved and there is a moderate physicochemical difference between glycine and arginine. This variant is present in population databases (rs148048190, ExAC 0.004%). This variant has not been reported in the literature in individuals affected with PLEKHG2-related conditions. Algorithms developed to predict the effect of missense changes on protein structure and function output the following: SIFT: "Tolerated"; PolyPhen-2: "Benign"; Align-GVGD: "Class C0". The arginine amino acid residue is found in multiple mammalian species, which suggests that this missense change does not adversely affect protein function. In summary, the available evidence is currently insufficient to determine the role of this variant in disease. Therefore, it has been classified as a Variant of Uncertain Significance.

NM_022835.3(PLEKHG2):c.2401G>A (p.Gly801Arg)

Gene: PLEKHG2 (pleckstrin homology and RhoGEF domain containing G2; plus strand). Cytogenetic location: 19q13.2.
Variant type: single nucleotide variant.
Coding change: c.2401G>A on transcript NM_022835.3 (MANE Select); coding-DNA position 2401, G replaced by A.
Protein change: p.Gly801Arg; replaces glycine 801 with arginine.
Molecular consequence: missense variant. On other transcripts: intron variant (1).
Genome position (GRCh38, 1-based): chr19:39,423,455, G>A. VCF-style: chr19-39423455-G-A. GRCh37 (hg19) VCF-style: chr19-39914095-G-A.
Other names: c.2224G>A, p.Gly742Arg (NM_001351693.2); c.1677+1167G>A (NM_001351694.2); short protein forms G742R, G801R.
Identifiers: ClinVar variation 1441161 (VCV001441161.6), dbSNP rs148048190, ClinGen allele CA9429765.